The following is an entry in ClinVar:

ClinVar aggregate classification (germline): Uncertain significance (1 of 4 stars; one submission).

Conditions:
Intellectual developmental disorder with seizures and language delay (IDDSELD). Identifiers: MedGen C5436574, MONDO:0033559, OMIM 619000.

gnomAD v4.1: 1 of 1,551,598 alleles (0.000064%); highest among the groups gnomAD compares: Non-Finnish European, 0.000087%; no homozygotes.

Submission:

3billion
Classification: Uncertain significance for Intellectual developmental disorder with seizures and language delay. Last evaluated: 2023-08-16. Review status: criteria provided, single submitter. Criteria: ACMG Guidelines, 2015. Collection method: clinical testing. Allele origin: germline. Affected: yes.
Comment: The variant is not observed in the gnomAD v2.1.1 dataset. Predicted Consequence/Location: Missense changes are a common disease-causing mechanism. In silico tool predictions suggest damaging effect of the variant on gene or gene product [REVEL: 0.68 (>=0.6, sensitivity 0.68 and specificity 0.92). Therefore, this variant is classified as VUS according to the recommendation of ACMG/AMP guideline.

NM_001353345.2(SETD1B):c.860C>G (p.Ser287Cys)

Gene: SETD1B (SET domain containing 1B, histone lysine methyltransferase; plus strand). Cytogenetic location: 12q24.31.
Variant type: single nucleotide variant.
Coding change: c.860C>G on transcript NM_001353345.2 (MANE Select); coding-DNA position 860, C replaced by G.
Protein change: p.Ser287Cys; replaces serine 287 with cysteine.
Molecular consequence: missense variant.
Genome position (GRCh38, 1-based): chr12:121,809,805, C>G. VCF-style: chr12-121809805-C-G. GRCh37 (hg19) VCF-style: chr12-122247711-C-G.
Other names: short protein forms S287C.
Identifiers: ClinVar variation 3775548 (VCV003775548.1).